The following is an entry in ClinVar:

ClinVar aggregate classification (germline): Benign (1 of 4 stars; one submission).

Submission:

GeneDx
Classification: Benign. Last evaluated: 2018-06-18. Review status: criteria provided, single submitter. Criteria: GeneDx Variant Classification (06012015). Collection method: clinical testing. Allele origin: germline. Affected: yes.
Comment: This variant is considered likely benign or benign based on one or more of the following criteria: it is a conservative change, it occurs at a poorly conserved position in the protein, it is predicted to be benign by multiple in silico algorithms, and/or has population frequency not consistent with disease.

NM_004006.3(DMD):c.93+5309_93+5317del

Gene: DMD (dystrophin; minus strand). Cytogenetic location: Xp21.1.
Variant type: Deletion.
Coding change: c.93+5309_93+5317del on transcript NM_004006.3 (MANE Select); bases 5309 to 5317 of the intron after coding-DNA position 93, 9 bases deleted (TCATATAAA; older notation c.93+5309_93+5317delTCATATAAA).
Molecular consequence: intron variant.
Genome position (GRCh38, 1-based): chrX:33,014,822-33,014,830, TTTATATGA deleted on the plus strand (TCATATAAA on the coding strand, the reverse complement: DMD is on the minus strand); deleting any 9 consecutive bases within chrX:33,014,822-33,014,834 gives the same sequence; the c. name uses the placement nearest the transcript's 3' end. VCF-style (leftmost placement, unchanged base first): chrX-33014821-GTTTATATGA-G. GRCh37 (hg19) VCF-style: chrX-33032938-GTTTATATGA-G.
Other names: c.69+5309_69+5317del (NM_000109.4); c.81+5309_81+5317del (NM_004009.3); c.-277+5309_-277+5317del (NM_004010.3).
Identifiers: ClinVar variation 680689 (VCV000680689.1), dbSNP rs60956459, ClinGen allele CA328596545.
Genomic context (GRCh38, chrX:33,014,821, plus strand): 5'-GCATTTTTCAATTCAATTCAGAAAATACATTACATAATGACAAAAATGGGAATATTTTGT[GTTTATATGA>G]TTTACTATTTATAATGCCCTTTTATTATATGTTTTGTTACAAGTAGGCAAGAACATATAA-3'